The following is an entry in ClinVar:

NM_001122630.2(CDKN1C):c.*5+20G>C

Gene: CDKN1C (cyclin dependent kinase inhibitor 1C; minus strand). Cytogenetic location: 11p15.4.
Variant type: single nucleotide variant.
Coding change: c.*5+20G>C on transcript NM_001122630.2 (MANE Select); 20 bases into the intron after 5 bases downstream of the stop codon, G replaced by C.
Molecular consequence: intron variant.
Genome position (GRCh38, 1-based): chr11:2,883,979, C>G on the plus strand (G>C on the coding strand, the complement: CDKN1C is on the minus strand). VCF-style: chr11-2883979-C-G. GRCh37 (hg19) VCF-style: chr11-2905209-C-G.
Other names: c.391+20G>C (NM_001362475.2); c.*5+20G>C (NM_001122631.2, NM_001362474.2, NM_000076.2).
Identifiers: ClinVar variation 2882911 (VCV002882911.3), dbSNP rs760540648, ClinGen allele CA5822128.
Genomic context (GRCh38, chr11:2,883,979, plus strand): 5'-CGAGGAGAGGGGCGGTCAGCAAAGCCGGCGGGGACCCGGCGGGTCGGCCCTCCGCGCCCC[C>G]CCAGGTGCGCTGTACTCACTTGGCTCACCGCAGCCTCTTGCGCGGGGTCTGCTCCACCGA-3'

ClinVar aggregate classification (germline): Uncertain significance (1 of 4 stars; one submission).

Conditions:
Beckwith-Wiedemann syndrome (BWS). Also called: Exomphalos macroglossia gigantism syndrome; EMG SYNDROME. Identifiers: Orphanet 116, MedGen C0004903, MONDO:0007534, OMIM 130650.

Submission:

Labcorp Genetics (formerly Invitae), Labcorp
Classification: Uncertain significance for Beckwith-Wiedemann syndrome. Last evaluated: 2024-07-16. Review status: criteria provided, single submitter. Criteria: Invitae Variant Classification Sherloc (09022015). Collection method: clinical testing. Allele origin: germline.
Comment: This variant occurs in a non-coding region of the CDKN1C gene. It does not change the encoded amino acid sequence of the CDKN1C protein. This variant is present in population databases (rs760540648, gnomAD 0.004%). This variant has not been reported in the literature in individuals affected with CDKN1C-related conditions. Algorithms developed to predict the effect of sequence changes on RNA splicing suggest that this variant is not likely to affect RNA splicing. In summary, the available evidence is currently insufficient to determine the role of this variant in disease. Therefore, it has been classified as a Variant of Uncertain Significance.